The following is an entry in ClinVar:

ClinVar aggregate classification (germline): Uncertain significance. Review status: criteria provided, multiple submitters, no conflicts (2 of 4 stars). 8 submissions from 7 submitters: Uncertain significance (8). Last evaluated 2025-07-30.

Conditions:
Hereditary breast ovarian cancer syndrome. Also called: Hereditary breast and ovarian cancer; Hereditary breast and/or ovarian cancer syndrome; BRCA1- and BRCA2-Associated Hereditary Breast and Ovarian Cancer; Hereditary breast and ovarian cancer syndrome; Hereditary breast and ovarian cancer syndrome (HBOC); Breast and ovarian cancer. Identifiers: Orphanet 145, MedGen C0677776, MeSH D061325, MONDO:0003582. Disease mechanism: loss of function.
Familial cancer of breast. Also called: BREAST CANCER, FAMILIAL; Hereditary breast cancer; hereditary breast carcinoma. Identifiers: Orphanet 227535, MedGen C0346153, MONDO:0016419, OMIM 114480. Disease mechanism: loss of function.
Hereditary nonpolyposis colorectal carcinoma. Identifiers: MedGen C4024989, HP:0006716.
Malignant tumor of esophagus. Also called: Esophageal cancer; Esophageal cancer, somatic. Identifiers: Orphanet 99977, MedGen C0546837, MONDO:0007576, OMIM 133239.
Hereditary cancer-predisposing syndrome. Also called: Tumor predisposition; Hereditary Cancer Syndrome; Hereditary neoplastic syndrome; Neoplastic Syndromes, Hereditary. Identifiers: Orphanet 140162, MedGen C0027672, MeSH D009386, MONDO:0015356.
Breast and/or ovarian cancer. Identifiers: MedGen CN221562.

gnomAD v4.1: 6 of 1,607,640 alleles (0.00037%); highest among the groups gnomAD compares: Non-Finnish European, 0.00051%; no homozygotes.

Submissions (8):

Labcorp Genetics (formerly Invitae), Labcorp
Classification: Uncertain significance for Hereditary breast ovarian cancer syndrome. Last evaluated: 2025-07-30. Review status: criteria provided, single submitter. Criteria: Invitae Variant Classification Sherloc (09022015). Collection method: clinical testing. Allele origin: germline.
Comment: This sequence change replaces arginine, which is basic and polar, with glycine, which is neutral and non-polar, at codon 2318 of the BRCA2 protein (p.Arg2318Gly). This variant is not present in population databases (gnomAD no frequency). This variant has not been reported in the literature in individuals affected with BRCA2-related conditions. ClinVar contains an entry for this variant (Variation ID: 409599). Invitae Evidence Modeling of protein sequence and biophysical properties (such as structural, functional, and spatial information, amino acid conservation, physicochemical variation, residue mobility, and thermodynamic stability) indicates that this missense variant is not expected to disrupt BRCA2 protein function with a negative predictive value of 95%. In summary, the available evidence is currently insufficient to determine the role of this variant in disease. Therefore, it has been classified as a Variant of Uncertain Significance.

Ambry Genetics
Classification: Uncertain significance for Hereditary cancer-predisposing syndrome. Last evaluated: 2025-03-04. Review status: criteria provided, single submitter. Criteria: Ambry Variant Classification Scheme 2023. Collection method: clinical testing. Allele origin: germline.
Comment: The p.R2318G variant (also known as c.6952C>G), located in coding exon 12 of the BRCA2 gene, results from a C to G substitution at nucleotide position 6952. The arginine at codon 2318 is replaced by glycine, an amino acid with dissimilar properties. This amino acid position is highly conserved in available vertebrate species. In addition, this alteration is predicted to be deleterious by in silico analysis. Since supporting evidence is limited at this time, the clinical significance of this alteration remains unclear.

Baylor Genetics
Classification: Uncertain significance for Familial cancer of breast. Last evaluated: 2023-09-17. Review status: criteria provided, single submitter. Criteria: ACMG Guidelines, 2015. Collection method: clinical testing. Allele origin: unknown.

Foundation for Research in Genetics and Endocrinology, FRIGE's Institute of Human Genetics
Classification: Uncertain significance for Hereditary nonpolyposis colorectal carcinoma. Last evaluated: 2022-02-21. Review status: criteria provided, single submitter. Criteria: ACMG Guidelines, 2015. Collection method: clinical testing. Allele origin: germline. Affected: yes. Observed: 1 heterozygote.
Comment: A heterozygous missense variation in exon 13 of the BRCA2 gene that results in the amino acid substitution of Glycine for Arginine at codon 2318 was detected. The observed variant c.6952C>G (p.Arg2318Gly) is documented as a variant of uncertain significance in hereditary cancer-predisposing syndrome in the ClinVar database (VCV000409599.10). The variant has not been reported in the 1000 genomes and gnomAD database respectively. The in silico predictions of the variant are probably damaging by PolyPhen-2 and damaging by SIFT, MutationTaster2, and LRT. The reference codon is conserved across species. In summary, the variant meets our criteria to be classified as a variant of uncertain significance.

Foundation for Research in Genetics and Endocrinology, FRIGE's Institute of Human Genetics
Classification: Uncertain significance for Malignant tumor of esophagus. Last evaluated: 2022-02-21. Review status: criteria provided, single submitter. Criteria: ACMG Guidelines, 2015. Collection method: clinical testing. Allele origin: germline. Inheritance: X-linked dominant inheritance. Affected: yes. Observed: 1 heterozygote.
Comment: A heterozygous missense variation in exon 13 of the BRCA2 gene that results in the amino acid substitution of Glycine for Arginine at codon 2318 was detected. The observed variant c.6952C>G (p.Arg2318Gly) has not been reported in the 1000 genomes and gnomAD databases. The in silico prediction of the variant is probably damaging by PolyPhen-2 (HumDiv), damaging by SIFT, LRT and MutationTaster2. The reference codon is conserved across primates. In summary, the variant meets our criteria to be classified as a variant of uncertain significance.

CHEO Genetics Diagnostic Laboratory, Children's Hospital of Eastern Ontario
Classification: Uncertain significance for Breast and/or ovarian cancer. Last evaluated: 2021-07-12. Review status: criteria provided, single submitter. Criteria: ACMG Guidelines, 2015. Collection method: clinical testing. Allele origin: germline.

Color Diagnostics, LLC DBA Color Health
Classification: Uncertain significance for Hereditary cancer-predisposing syndrome. Last evaluated: 2021-02-19. Review status: criteria provided, single submitter. Criteria: ACMG Guidelines, 2015. Collection method: clinical testing. Allele origin: germline.
Comment: This missense variant replaces arginine with glycine at codon 2318 of the BRCA2 protein. Computational prediction is inconclusive regarding the impact of this variant on protein structure and function (internally defined REVEL score threshold 0.5 < inconclusive < 0.7, PMID: 27666373). Splice site prediction tools suggest that this variant may not impact RNA splicing. To our knowledge, functional studies have not been performed for this variant. This variant has not been reported in individuals affected with hereditary cancer in the literature. This variant has not been identified in the general population by the Genome Aggregation Database (gnomAD). The available evidence is insufficient to determine the role of this variant in disease conclusively. Therefore, this variant is classified as a Variant of Uncertain Significance.

GeneDx
Classification: Uncertain significance. Last evaluated: 2016-11-18. Review status: criteria provided, single submitter. Criteria: GeneDx Variant Classification (06012015). Collection method: clinical testing. Allele origin: germline. Affected: yes.
Comment: This variant is denoted BRCA2 c.6952C>G at the cDNA level, p.Arg2318Gly (R2318G) at the protein level, and results in the change of an Arginine to a Glycine (CGA>GGA). Using alternate nomenclature, this variant would be defined as BRCA2 7180C>G. This variant has not, to our knowledge, been published in the literature as pathogenic or benign. BRCA2 Arg2318Gly was not observed in approximately 6,500 individuals of European and African American ancestry in the NHLBI Exome Sequencing Project, suggesting it is not a common benign variant in these populations. Since Arginine and Glycine differ in polarity, charge, size or other properties, this is considered a non-conservative amino acid substitution. BRCA2 Arg2318Gly occurs at a position that is conserved across species and is not located in a known functional domain. In silico analyses are inconsistent regarding the effect this variant may have on protein structure and function. Based on currently available evidence, it is unclear whether BRCA2 Arg2318Gly is a pathogenic or benign variant. We consider it to be a variant of uncertain significance.

NM_000059.4(BRCA2):c.6952C>G (p.Arg2318Gly)

Gene: BRCA2 (BRCA2 DNA repair associated; plus strand). Cytogenetic location: 13q13.1.
Variant type: single nucleotide variant.
Coding change: c.6952C>G on transcript NM_000059.4 (MANE Select); coding-DNA position 6952, C replaced by G.
Protein change: p.Arg2318Gly; replaces arginine 2318 with glycine.
Molecular consequence: missense variant.
Genome position (GRCh38, 1-based): chr13:32,346,841, C>G. VCF-style: chr13-32346841-C-G. GRCh37 (hg19) VCF-style: chr13-32920978-C-G.
Other names: p.Arg2318Gly; short protein forms R2318G.
Identifiers: ClinVar variation 409599 (VCV000409599.30), dbSNP rs80358920, ClinGen allele CA16614347.